The following is an entry in ClinVar:

NM_006846.4(SPINK5):c.3183G>A (p.Pro1061=)

Gene: SPINK5 (serine peptidase inhibitor Kazal type 5; plus strand). Cytogenetic location: 5q32.
Variant type: single nucleotide variant.
Coding change: c.3183G>A on transcript NM_006846.4 (MANE Select); coding-DNA position 3183, G replaced by A.
Protein change: p.Pro1061=; no amino-acid change (proline 1061 retained).
Molecular consequence: synonymous variant.
Genome position (GRCh38, 1-based): chr5:148,133,884, G>A. VCF-style: chr5-148133884-G-A. GRCh37 (hg19) VCF-style: chr5-147513447-G-A.
Other names: c.3273G>A, p.Pro1091= (NM_001127698.2).
Identifiers: ClinVar variation 378644 (VCV000378644.16), dbSNP rs77756935, ClinGen allele CA3496270.

ClinVar aggregate classification (germline): Benign/Likely benign. Review status: criteria provided, multiple submitters, no conflicts (2 of 4 stars). 5 submissions from 5 submitters: Benign (1); Likely benign (4). Last evaluated 2026-01-23.

Conditions:
Ichthyosis linearis circumflexa. Identifiers: MedGen C0265962, MONDO:0043106, HP:0025810.
Netherton syndrome (NETH). Also called: ERYTHRODERMA, ICHTHYOSIFORM, WITH HYPOTRICHOSIS AND HYPER-IgE; COMEL-NETHERTON SYNDROME; NETHERTON DISEASE. Identifiers: Orphanet 634, MedGen C5574950, MONDO:0009735, OMIM 256500.

Allele frequency attached by ClinVar (database versions not stated): gnomAD exomes 0.00035 and 0.00088; ExAC 0.00106; gnomAD 0.00311 and 0.00345; ESP Exome Variant Server 0.00348; 1000 Genomes Project 30x 0.00390; TOPMed 0.00391; 1000 Genomes Project 0.00419.

Submissions (5):

Women's Health and Genetics/Laboratory Corporation of America, LabCorp
Classification: Likely benign. Last evaluated: 2026-01-23. Review status: criteria provided, single submitter. Criteria: LabCorp Variant Classification Summary - May 2015. Collection method: clinical testing. Allele origin: germline.

Labcorp Genetics (formerly Invitae), Labcorp
Classification: Benign for Ichthyosis linearis circumflexa. Last evaluated: 2026-01-13. Review status: criteria provided, single submitter. Criteria: Invitae Variant Classification Sherloc (09022015). Collection method: clinical testing. Allele origin: germline.

Blueprint Genetics
Classification: Likely benign. Last evaluated: 2024-11-26. Review status: criteria provided, single submitter. Criteria: ACMG Guidelines, 2015. Collection method: clinical testing. Allele origin: germline.

Illumina Laboratory Services, Illumina
Classification: Likely benign for Netherton syndrome. Last evaluated: 2018-01-12. Review status: criteria provided, single submitter. Criteria: ICSL Variant Classification Criteria 13 December 2019. Collection method: clinical testing. Allele origin: germline.
Comment: This variant was observed in the ICSL laboratory as part of a predisposition screen in an ostensibly healthy population. It had not been previously curated by ICSL or reported in the Human Gene Mutation Database (HGMD: prior to June 1st, 2018), and was therefore a candidate for classification through an automated scoring system. Utilizing variant allele frequency, disease prevalence and penetrance estimates, and inheritance mode, an automated score was calculated to assess if this variant is too frequent to cause the disease. Based on the score and internal cut-off values, a variant classified as likely benign is not then subjected to further curation. The score for this variant resulted in a classification of likely benign for this disease.

GeneDx
Classification: Likely benign. Last evaluated: 2016-08-22. Review status: criteria provided, single submitter. Criteria: GeneDx Variant Classification (06012015). Collection method: clinical testing. Allele origin: germline. Affected: yes.
Comment: This variant is considered likely benign or benign based on one or more of the following criteria: it is a conservative change, it occurs at a poorly conserved position in the protein, it is predicted to be benign by multiple in silico algorithms, and/or has population frequency not consistent with disease.